The following is an entry in ClinVar:

NM_000891.3(KCNJ2):c.839A>G (p.Tyr280Cys)

Gene: KCNJ2 (potassium inwardly rectifying channel subfamily J member 2; plus strand). Cytogenetic location: 17q24.3.
Variant type: single nucleotide variant.
Coding change: c.839A>G on transcript NM_000891.3 (MANE Select); coding-DNA position 839, A replaced by G.
Protein change: p.Tyr280Cys; replaces tyrosine 280 with cysteine.
Molecular consequence: missense variant.
Genome position (GRCh38, 1-based): chr17:70,175,878, A>G. VCF-style: chr17-70175878-A-G. GRCh37 (hg19) VCF-style: chr17-68172019-A-G.
Other names: short protein forms Y280C.
Identifiers: ClinVar variation 1723134 (VCV001723134.2), dbSNP rs2509921470, ClinGen allele CA400862312.
Genomic context (GRCh38, chr17:70,175,878, plus strand): 5'-GTATATTTCTGGTGTCCCCAATCACTATAGTCCATGAAATAGATGAAGACAGTCCTTTAT[A>G]TGATTTGAGTAAACAGGACATTGACAACGCAGACTTTGAAATCGTGGTCATACTGGAAGG-3'
Protein context (NP_000882.1, residues 270-290): VHEIDEDSPL[Tyr280Cys]DLSKQDIDNA

ClinVar aggregate classification (germline): Uncertain significance. Review status: criteria provided, single submitter (1 of 4 stars). 2 submissions from 2 submitters: Uncertain significance (1). 1 of the submissions does not count toward it. Last evaluated 2025-10-06.

Conditions:
Andersen Tawil syndrome (LQT7). Also called: ANDERSEN CARDIODYSRHYTHMIC PERIODIC PARALYSIS; LONG QT SYNDROME 7; PERIODIC PARALYSIS, POTASSIUM-SENSITIVE CARDIODYSRHYTHMIC TYPE; Andersen Syndrome; Potassium-sensitive periodic paralysis, ventricular ectopy, and dysmorphic features. Identifiers: Orphanet 37553, MedGen C1563715, MONDO:0008222, OMIM 170390.
Short QT syndrome type 3. Identifiers: Orphanet 51083, MedGen C1865018, MONDO:0012314, OMIM 609622.

Submissions (2):

Labcorp Genetics (formerly Invitae), Labcorp
Classification: Uncertain significance for Short QT syndrome type 3; Andersen Tawil syndrome. Last evaluated: 2025-10-06. Review status: criteria provided, single submitter. Criteria: Invitae Variant Classification Sherloc (09022015). Collection method: clinical testing. Allele origin: germline.
Comment: This sequence change replaces tyrosine, which is neutral and polar, with cysteine, which is neutral and slightly polar, at codon 280 of the KCNJ2 protein (p.Tyr280Cys). This variant is not present in population databases (gnomAD no frequency). This missense change has been observed in individual(s) with periodic paralysis (PMID: 36779057). ClinVar contains an entry for this variant (Variation ID: 1723134). Invitae Evidence Modeling of protein sequence and biophysical properties (such as structural, functional, and spatial information, amino acid conservation, physicochemical variation, residue mobility, and thermodynamic stability) indicates that this missense variant is expected to disrupt KCNJ2 protein function with a positive predictive value of 95%. In summary, the available evidence is currently insufficient to determine the role of this variant in disease. Therefore, it has been classified as a Variant of Uncertain Significance.

Department of Neurology and Geriatrics, Kagoshima University Graduate School of Medical and Dental Sciences
Classification: Uncertain significance for Andersen Tawil syndrome. Last evaluated: 2022-04-12. Review status: no assertion criteria provided. Collection method: research. Allele origin: germline. Affected: yes. Not counted in ClinVar's aggregate classification.

Literature cited by the submitters: PubMed 36779057 (cited by Labcorp Genetics (formerly Invitae), Labcorp).